The following is an entry in ClinVar:

NC_000020.10:g.(?_18491480)_(18535837_?)del

Gene: SEC23B (SEC23 homolog B, COPII component; plus strand). Cytogenetic location: 20p11.23.
Variant type: Deletion.
Identifiers: ClinVar variation 3248269 (VCV003248269.1).

ClinVar aggregate classification (germline): Pathogenic (1 of 4 stars; one submission).

Conditions:
Congenital dyserythropoietic anemia, type II (CDAN2). Also called: DYSERYTHROPOIETIC ANEMIA, HEMPAS TYPE. Identifiers: Orphanet 98873, MedGen C1306589, MONDO:0009134, OMIM 224100.
Cowden syndrome 7 (CWS7). Identifiers: Orphanet 201, MedGen C4225179, MONDO:0014802, OMIM 616858.

Submission:

Labcorp Genetics (formerly Invitae), Labcorp
Classification: Pathogenic for Congenital dyserythropoietic anemia, type II; Cowden syndrome 7. Last evaluated: 2023-08-10. Review status: criteria provided, single submitter. Criteria: Invitae Variant Classification Sherloc (09022015). Collection method: clinical testing. Allele origin: unknown.
Comment: For these reasons, this variant has been classified as Pathogenic. This variant has not been reported in the literature in individuals affected with SEC23B-related conditions. This variant is a gross deletion of the genomic region encompassing exon(s) 2-19 of the SEC23B gene, which includes the initiator codon. This deletion extends beyond the assayed region for this gene and therefore may encompass additional genes. It is expected to result in an absent or disrupted protein product. Loss-of-function variants in SEC23B are known to be pathogenic (PMID: 19561605, 25044164).

Literature cited by the submitters: PubMed 19561605; PubMed 25044164.